The following is an entry in ClinVar:

NM_004446.3(EPRS1):c.8C>A (p.Thr3Lys)

Genes: EPRS1 (glutamyl-prolyl-tRNA synthetase 1; minus strand), LOC129932524 (ATAC-STARR-seq lymphoblastoid active region 2551; plus strand). Cytogenetic location: 1q41.
Variant type: single nucleotide variant.
Coding change: c.8C>A on transcript NM_004446.3 (MANE Select); coding-DNA position 8, C replaced by A.
Protein change: p.Thr3Lys; replaces threonine 3 with lysine.
Molecular consequence: missense variant.
Genome position (GRCh38, 1-based): chr1:220,046,381, G>T on the plus strand (C>A on the coding strand, the complement: EPRS1 is on the minus strand). VCF-style: chr1-220046381-G-T. GRCh37 (hg19) VCF-style: chr1-220219723-G-T.
Other names: short protein forms T3K.
Identifiers: ClinVar variation 3346716 (VCV003346716.1).

ClinVar aggregate classification (germline): Uncertain significance (0 of 4 stars; one submission).

Conditions:
EPRS1-related disorder. Also called: EPRS1-related condition.

gnomAD v4.1: 1 of 1,614,110 alleles (0.000062%); highest among the groups gnomAD compares: Non-Finnish European, 0.000085%; no homozygotes.

Submission:

PreventionGenetics, part of Exact Sciences
Classification: Uncertain significance for EPRS1-related condition. Last evaluated: 2024-08-21. Review status: no assertion criteria provided. Collection method: clinical testing. Allele origin: germline.
Comment: The EPRS1 c.8C>A variant is predicted to result in the amino acid substitution p.Thr3Lys. To our knowledge, this variant has not been reported in the literature or in a large population database, indicating this variant is rare. At this time, the clinical significance of this variant is uncertain due to the absence of conclusive functional and genetic evidence.